The following is an entry in ClinVar:

ClinVar aggregate classification (germline): Uncertain significance. Review status: criteria provided, multiple submitters, no conflicts (2 of 4 stars). 2 submissions from 2 submitters: Uncertain significance (2). Last evaluated 2024-09-26.

Conditions:
Osteogenesis imperfecta type I (OI1). Also called: OI, TYPE I; OSTEOGENESIS IMPERFECTA TARDA; OSTEOGENESIS IMPERFECTA WITH BLUE SCLERAE; Osteogenesis imperfecta type 1; Lobstein disease; Lobstein's Disease. Identifiers: Orphanet 216796, Orphanet 666, MedGen C0023931, MONDO:0008146, OMIM 166200. Disease mechanism: loss of function.

Submissions (2):

Labcorp Genetics (formerly Invitae), Labcorp
Classification: Uncertain significance for Osteogenesis imperfecta type I. Last evaluated: 2024-09-26. Review status: criteria provided, single submitter. Criteria: Invitae Variant Classification Sherloc (09022015). Collection method: clinical testing. Allele origin: germline.
Comment: This sequence change replaces valine, which is neutral and non-polar, with isoleucine, which is neutral and non-polar, at codon 1412 of the COL1A1 protein (p.Val1412Ile). This variant is not present in population databases (gnomAD no frequency). This variant has not been reported in the literature in individuals affected with COL1A1-related conditions. Invitae Evidence Modeling of protein sequence and biophysical properties (such as structural, functional, and spatial information, amino acid conservation, physicochemical variation, residue mobility, and thermodynamic stability) indicates that this missense variant is not expected to disrupt COL1A1 protein function with a negative predictive value of 95%. In summary, the available evidence is currently insufficient to determine the role of this variant in disease. Therefore, it has been classified as a Variant of Uncertain Significance.

GeneDx
Classification: Uncertain significance. Last evaluated: 2024-04-19. Review status: criteria provided, single submitter. Criteria: GeneDx Variant Classification Process June 2021. Collection method: clinical testing. Allele origin: germline. Affected: yes.
Comment: Not observed at significant frequency in large population cohorts (gnomAD); In silico analysis indicates that this missense variant does not alter protein structure/function; Has not been previously published as pathogenic or benign to our knowledge

NM_000088.4(COL1A1):c.4234G>A (p.Val1412Ile)

Gene: COL1A1 (collagen type I alpha 1 chain; minus strand). Cytogenetic location: 17q21.33.
Variant type: single nucleotide variant.
Coding change: c.4234G>A on transcript NM_000088.4 (MANE Select); coding-DNA position 4234, G replaced by A.
Protein change: p.Val1412Ile; replaces valine 1412 with isoleucine.
Molecular consequence: missense variant.
Genome position (GRCh38, 1-based): chr17:50,185,792, C>T on the plus strand (G>A on the coding strand, the complement: COL1A1 is on the minus strand). VCF-style: chr17-50185792-C-T. GRCh37 (hg19) VCF-style: chr17-48263153-C-T.
Other names: short protein forms V1412I.
Identifiers: ClinVar variation 3372882 (VCV003372882.3).
Genomic context (GRCh38, chr17:50,185,792, plus strand): 5'-CAAGGCCGGAGAGGTGGGGCCCTGCCTGGGGATTCTGGGCACTCACCGTGCAGCCATCGA[C>T]AGTGACGCTGTAGGTGAAGCGGCTGTTGCCCTCGGCGCGGATCTCGATCTCGTTGGAGCC-3'
Protein context (NP_000079.2, residues 1402-1422): GNSRFTYSVT[Val1412Ile]DGCTSHTGAW